The following is an entry in ClinVar:

ClinVar aggregate classification (germline): Uncertain significance. Review status: criteria provided, multiple submitters, no conflicts (2 of 4 stars). 2 submissions from 2 submitters: Uncertain significance (2). Last evaluated 2024-08-20.

Conditions:
Inborn genetic diseases. Identifiers: MedGen C0950123, MeSH D030342.
Cone-rod dystrophy 13 (CORD13). Identifiers: Orphanet 1872, MedGen C2750720, MONDO:0011987, OMIM 608194.
Leber congenital amaurosis 6 (LCA6). Identifiers: Orphanet 65, MedGen C1854260, MONDO:0013446, OMIM 613826.

Allele frequency attached by ClinVar (database versions not stated): gnomAD exomes below 0.00001; gnomAD 0.00001; TOPMed 0.00001; ExAC 0.00002.
gnomAD v4.1: 7 of 1,586,714 alleles (0.00044%); highest among the groups gnomAD compares: Non-Finnish European, 0.0006%; no homozygotes.

Submissions (2):

Ambry Genetics
Classification: Uncertain significance for Inborn genetic diseases. Last evaluated: 2024-08-20. Review status: criteria provided, single submitter. Criteria: Ambry Variant Classification Scheme 2023. Collection method: clinical testing. Allele origin: germline.

Labcorp Genetics (formerly Invitae), Labcorp
Classification: Uncertain significance for Leber congenital amaurosis 6; Cone-rod dystrophy 13. Last evaluated: 2021-08-27. Review status: criteria provided, single submitter. Criteria: Invitae Variant Classification Sherloc (09022015). Collection method: clinical testing. Allele origin: germline.
Comment: This sequence change replaces proline with leucine at codon 174 of the RPGRIP1 protein (p.Pro174Leu). The proline residue is moderately conserved and there is a moderate physicochemical difference between proline and leucine. This variant is present in population databases (rs780733881, ExAC 0.003%). This variant has not been reported in the literature in individuals affected with RPGRIP1-related conditions. Algorithms developed to predict the effect of missense changes on protein structure and function are either unavailable or do not agree on the potential impact of this missense change (SIFT: "Deleterious"; PolyPhen-2: "Benign"; Align-GVGD: "Class C0"). In summary, the available evidence is currently insufficient to determine the role of this variant in disease. Therefore, it has been classified as a Variant of Uncertain Significance.

NM_020366.4(RPGRIP1):c.521C>T (p.Pro174Leu)

Gene: RPGRIP1 (RPGR interacting protein 1; plus strand). Cytogenetic location: 14q11.2.
Variant type: single nucleotide variant.
Coding change: c.521C>T on transcript NM_020366.4 (MANE Select); coding-DNA position 521, C replaced by T.
Protein change: p.Pro174Leu; replaces proline 174 with leucine.
Molecular consequence: missense variant.
Genome position (GRCh38, 1-based): chr14:21,302,518, C>T. VCF-style: chr14-21302518-C-T. GRCh37 (hg19) VCF-style: chr14-21770677-C-T.
Other names: c.521C>T (NM_020366.3); short protein forms P174L.
Identifiers: ClinVar variation 1380797 (VCV001380797.6), dbSNP rs780733881, ClinGen allele CA7088683.